The following is an entry in ClinVar:

ClinVar aggregate classification (germline): Uncertain significance (1 of 4 stars; one submission).

Conditions:
Hyperekplexia 2 (HKPX2). Identifiers: Orphanet 3197, MedGen C3553291, MONDO:0013828, OMIM 614619.

Allele frequency attached by ClinVar (database versions not stated): gnomAD exomes 0.00001; ExAC 0.00002; ESP Exome Variant Server 0.00015.
gnomAD v4.1: 2 of 1,565,206 alleles (0.00013%); highest among the groups gnomAD compares: Admixed American, 0.0017%; no homozygotes.

Submission:

Labcorp Genetics (formerly Invitae), Labcorp
Classification: Uncertain significance for Hyperekplexia 2. Last evaluated: 2021-08-29. Review status: criteria provided, single submitter. Criteria: Invitae Variant Classification Sherloc (09022015). Collection method: clinical testing. Allele origin: germline.
Comment: This sequence change replaces glycine with glutamic acid at codon 218 of the GLRB protein (p.Gly218Glu). The glycine residue is highly conserved and there is a moderate physicochemical difference between glycine and glutamic acid. This variant is present in population databases (rs146321769, ExAC 0.003%). This variant has not been reported in the literature in individuals affected with GLRB-related conditions. Advanced modeling of protein sequence and biophysical properties (such as structural, functional, and spatial information, amino acid conservation, physicochemical variation, residue mobility, and thermodynamic stability) performed at Invitae indicates that this missense variant is not expected to disrupt GLRB protein function. In summary, the available evidence is currently insufficient to determine the role of this variant in disease. Therefore, it has been classified as a Variant of Uncertain Significance.

NM_000824.5(GLRB):c.653G>A (p.Gly218Glu)

Gene: GLRB (glycine receptor beta; plus strand). Cytogenetic location: 4q32.1.
Variant type: single nucleotide variant.
Coding change: c.653G>A on transcript NM_000824.5 (MANE Select); coding-DNA position 653, G replaced by A.
Protein change: p.Gly218Glu; replaces glycine 218 with glutamic acid.
Molecular consequence: missense variant.
Genome position (GRCh38, 1-based): chr4:157,138,851, G>A. VCF-style: chr4-157138851-G-A. GRCh37 (hg19) VCF-style: chr4-158060003-G-A.
Other names: c.653G>A, p.Gly218Glu (NM_001166060.2, NM_001166061.2); short protein forms G218E.
Identifiers: ClinVar variation 1436784 (VCV001436784.3), dbSNP rs146321769, ClinGen allele CA3119836.